The following is an entry in ClinVar:

ClinVar aggregate classification (germline): Benign/Likely benign. Review status: criteria provided, multiple submitters, no conflicts (2 of 4 stars). 6 submissions from 4 submitters: Benign (4); Likely benign (1). 1 of the submissions does not count toward it. Last evaluated 2026-09-01.

Conditions:
Acute febrile neutrophilic dermatosis (AFND). Also called: Sweet Syndrome; Gomm Button disease. Identifiers: Orphanet 3243, MedGen C0085077, MONDO:0011959, OMIM 608068.
Familial Mediterranean fever (FMF). Also called: Periodic peritonitis; Benign paroxysmal peritonitis; POLYSEROSITIS, FAMILIAL PAROXYSMAL; POLYSEROSITIS, RECURRENT. Identifiers: Orphanet 342, MedGen C0031069, MONDO:0018088, OMIM 249100. Disease mechanism: gain of function.
Familial Mediterranean fever, autosomal dominant. Also called: Dominant Familial Mediterranean Fever; FMF, AUTOSOMAL DOMINANT. Identifiers: Orphanet 342, MedGen C1851347, MONDO:0007601, OMIM 134610.

Allele frequency attached by ClinVar (database versions not stated): 1000 Genomes Project 30x 0.00375; 1000 Genomes Project 0.00419; gnomAD 0.01286 and 0.01246; TOPMed 0.00964.

Submissions (6):

CeGaT Center for Human Genetics Tuebingen
Classification: Benign. Last evaluated: 2026-09-01. Review status: criteria provided, single submitter. Criteria: CeGaT Center For Human Genetics Tuebingen Variant Classification Criteria Version 2. Collection method: clinical testing. Allele origin: germline. Affected: yes. Observed: 46 variant alleles.
Comment: MEFV: BS1, BS2

Genome-Nilou Lab
Classification: Benign for Familial Mediterranean fever. Last evaluated: 2023-02-08. Review status: criteria provided, single submitter. Criteria: ACMG Guidelines, 2015. Collection method: clinical testing. Allele origin: germline.

Genome-Nilou Lab
Classification: Benign for Familial Mediterranean fever, autosomal dominant. Last evaluated: 2023-02-08. Review status: criteria provided, single submitter. Criteria: ACMG Guidelines, 2015. Collection method: clinical testing. Allele origin: germline.

Genome-Nilou Lab
Classification: Benign for Acute febrile neutrophilic dermatosis. Last evaluated: 2023-02-08. Review status: criteria provided, single submitter. Criteria: ACMG Guidelines, 2015. Collection method: clinical testing. Allele origin: germline.

GeneDx
Classification: Likely benign. Last evaluated: 2018-06-14. Review status: criteria provided, single submitter. Criteria: GeneDx Variant Classification (06012015). Collection method: clinical testing. Allele origin: germline. Affected: yes.
Comment: This variant is considered likely benign or benign based on one or more of the following criteria: it is a conservative change, it occurs at a poorly conserved position in the protein, it is predicted to be benign by multiple in silico algorithms, and/or has population frequency not consistent with disease.

Natera, Inc.
Classification: Benign for Autosomal dominant familial Mediterranean fever. Last evaluated: 2020-05-31. Review status: no assertion criteria provided. Collection method: clinical testing. Allele origin: germline. Not counted in ClinVar's aggregate classification.

NM_000243.2(MEFV):c.-330G>A

Gene: MEFV (MEFV innate immunity regulator, pyrin; minus strand). Cytogenetic location: 16p13.3.
Variant type: single nucleotide variant.
Coding change: c.-330G>A on transcript NM_000243.2; 330 bases upstream of the start codon, G replaced by A.
Genome position (GRCh38, 1-based): chr16:3,256,917, C>T on the plus strand (G>A on the coding strand, the complement: MEFV is on the minus strand). VCF-style: chr16-3256917-C-T. GRCh37 (hg19) VCF-style: chr16-3306917-C-T.
Identifiers: ClinVar variation 675625 (VCV000675625.33), dbSNP rs11466013, ClinGen allele CA276904847.